The following is an entry in ClinVar:

ClinVar aggregate classification (germline): Pathogenic (1 of 4 stars; one submission).

Conditions:
VPS13A-related neurodegenerative disease. Also called: ACANTHOCYTOSIS WITH NEUROLOGIC DISORDER; LEVINE-CRITCHLEY SYNDROME; Choreoacanthocytosis; Chorea-acanthocytosis; Choreaacanthocytosis; VPS13A Disease. Identifiers: Orphanet 2388, MedGen C0393576, MONDO:0008695, OMIM 200150.

Submission:

Myriad Genetics, Inc.
Classification: Pathogenic for VPS13A-related neurodegenerative disease. Last evaluated: 2024-05-14. Review status: criteria provided, single submitter. Criteria: Myriad Autosomal Dominant, Autosomal Recessive and X-Linked Classification Criteria (2023). Collection method: clinical testing. Allele origin: unknown.
Comment: NM_033305.2(VPS13A):c.1287delG(W430Gfs*29) is expected to be pathogenic in the context of VPS13A disease. This variant is predicted to lead to an abnormal or absent protein product due to the creation of a premature termination codon in VPS13A, a gene where loss-of-function variants are known to be pathogenic. Please note: this variant was assessed in the context of healthy population screening.

NM_033305.3(VPS13A):c.1287del (p.Trp430fs)

Gene: VPS13A (vacuolar protein sorting 13 homolog A; plus strand). Cytogenetic location: 9q21.2.
Variant type: Deletion.
Coding change: c.1287del on transcript NM_033305.3 (MANE Select); coding-DNA position 1287, one base deleted (G; older notation c.1287delG).
Protein change: p.Trp430fs; shifts the reading frame from tryptophan 430.
Molecular consequence: frameshift variant.
Genome position (GRCh38, 1-based): chr9:77,226,528, G deleted; the last of 3 consecutive G bases (chr9:77,226,526-77,226,528); deleting any one gives the same sequence. VCF-style (leftmost placement, unchanged base first): chr9-77226525-AG-A. GRCh37 (hg19) VCF-style: chr9-79841441-AG-A.
Other names: c.1287del, p.Trp430fs (NM_001018037.2, NM_001018038.3, NM_015186.4); short protein forms W430fs.
Identifiers: ClinVar variation 5011583 (VCV005011583.1).